The following is an entry in ClinVar:

NM_015046.7(SETX):c.4090_4092del (p.Arg1364del)

Gene: SETX (senataxin; minus strand). Cytogenetic location: 9q34.13.
Variant type: Deletion.
Coding change: c.4090_4092del on transcript NM_015046.7 (MANE Select); coding-DNA positions 4090 to 4092, 3 bases deleted (AGA; older notation c.4090_4092delAGA).
Protein change: p.Arg1364del; deletes arginine 1364.
Molecular consequence: inframe deletion.
Genome position (GRCh38, 1-based): chr9:132,327,506-132,327,508, TCT deleted on the plus strand (AGA on the coding strand, the reverse complement: SETX is on the minus strand); deleting any 3 consecutive bases within chr9:132,327,506-132,327,510 gives the same sequence; the c. name uses the placement nearest the transcript's 3' end. VCF-style (leftmost placement, unchanged base first): chr9-132327505-GTCT-G. GRCh37 (hg19) VCF-style: chr9-135202892-GTCT-G.
Other names: c.4090_4092del, p.Arg1364del (NM_001351527.2, NM_001351528.2); short protein forms R1364del.
Identifiers: ClinVar variation 2929805 (VCV002929805.3), dbSNP rs1300386374, ClinGen allele CA590947259.

ClinVar aggregate classification (germline): Uncertain significance (1 of 4 stars; one submission).

Conditions:
Amyotrophic lateral sclerosis type 4 (ALS4). Also called: AMYOTROPHIC LATERAL SCLEROSIS 4, JUVENILE; NEURONOPATHY, DISTAL HEREDITARY MOTOR, WITH PYRAMIDAL FEATURES. Identifiers: Orphanet 357043, MedGen C1865409, MONDO:0011223, OMIM 602433.
Spinocerebellar ataxia, autosomal recessive, with axonal neuropathy 2 (SCAN2). Also called: Ataxia with Oculomotor Apraxia; ATAXIA-OCULOMOTOR APRAXIA 2; Ataxia with Oculomotor Apraxia Type 2; Ataxia-ocular apraxia-2. Identifiers: Orphanet 64753, MedGen C1853761, MONDO:0018996, OMIM 606002.

Submission:

Labcorp Genetics (formerly Invitae), Labcorp
Classification: Uncertain significance for Amyotrophic lateral sclerosis type 4; Spinocerebellar ataxia, autosomal recessive, with axonal neuropathy 2. Last evaluated: 2023-12-27. Review status: criteria provided, single submitter. Criteria: Invitae Variant Classification Sherloc (09022015). Collection method: clinical testing. Allele origin: germline.
Comment: This variant, c.4090_4092del, results in the deletion of 1 amino acid(s) of the SETX protein (p.Arg1364del), but otherwise preserves the integrity of the reading frame. This variant is present in population databases (no rsID available, gnomAD 0.02%). This variant has not been reported in the literature in individuals affected with SETX-related conditions. Experimental studies and prediction algorithms are not available or were not evaluated, and the functional significance of this variant is currently unknown. In summary, the available evidence is currently insufficient to determine the role of this variant in disease. Therefore, it has been classified as a Variant of Uncertain Significance.